The following is an entry in ClinVar:

NM_005850.5(SF3B4):c.811del (p.Ala271fs)

Gene: SF3B4 (splicing factor 3b subunit 4; minus strand). Cytogenetic location: 1q21.2.
Variant type: Deletion.
Coding change: c.811del on transcript NM_005850.5 (MANE Select); coding-DNA position 811, one base deleted (G; older notation c.811delG).
Protein change: p.Ala271fs; shifts the reading frame from alanine 271.
Molecular consequence: frameshift variant.
Genome position (GRCh38, 1-based): chr1:149,925,938, C deleted on the plus strand (G on the coding strand, the reverse complement: SF3B4 is on the minus strand). VCF-style (leftmost placement, unchanged base first): chr1-149925937-GC-G. GRCh37 (hg19) VCF-style: chr1-149897829-GC-G.
Other names: short protein forms A271fs.
Identifiers: ClinVar variation 280303 (VCV000280303.2), dbSNP rs886041532, ClinGen allele CA10602737.

ClinVar aggregate classification (germline): Pathogenic (1 of 4 stars; one submission).

Submission:

GeneDx
Classification: Pathogenic. Last evaluated: 2016-02-23. Review status: criteria provided, single submitter. Criteria: GeneDx Variant Classification (06012015). Collection method: clinical testing. Allele origin: germline. Affected: yes.
Comment: The c.811delG pathogenic variant in the SF3B4 gene has not been reported previously as a pathogenic variant nor as a benign variant, to our knowledge. The c.811delG variant causes a frameshift starting with codon Alanine 271, changes this amino acid to a Glutamine residue, and creates a premature Stop codon at position 49 of the new reading frame, denoted p.Ala271GlnfsX49. This variant is predicted to cause loss of normal protein function either through protein truncation or nonsense-mediated mRNA decay. The c.811delG variant was not observed in approximately 6,500 individuals of European and African American ancestry in the NHLBI Exome Sequencing Project, indicating it is not a common benign variant in these populations. We interpret c.811delG as a pathogenic variant.